The following is an entry in ClinVar:

ClinVar aggregate classification (germline): Likely benign. Review status: criteria provided, multiple submitters, no conflicts (2 of 4 stars). 2 submissions from 2 submitters: Likely benign (2). Last evaluated 2025-09-03.

Conditions:
CEP290-related disorder. Also called: CEP290-related disorders; CEP290-related condition. Identifiers: MedGen CN239314.
Meckel-Gruber syndrome. Also called: Dysencephalia splachnocystica; DYSENCEPHALIA SPLANCHNOCYSTICA; GRUBER SYNDROME. Identifiers: Orphanet 564, MedGen C0265215, MONDO:0018921.
Joubert syndrome. Also called: Familial aplasia of the vermis; JOUBERT-BOLTSHAUSER SYNDROME. Identifiers: Orphanet 475, MedGen C5979921, MONDO:0018772.
Nephronophthisis. Also called: Juvenile Nephronophthisis. Identifiers: Orphanet 655, MedGen C0687120, MONDO:0019005, HP:0000090.

gnomAD v4.1: 2 of 1,236,860 alleles (0.00016%); highest among the groups gnomAD compares: South Asian, 0.0032%; no homozygotes.

Submissions (2):

PreventionGenetics, part of Exact Sciences
Classification: Likely benign for CEP290-related condition. Last evaluated: 2025-09-03. Review status: criteria provided, single submitter. Criteria: ACMG Guidelines, 2015. Collection method: clinical testing. Allele origin: germline.
Comment: This variant is classified as likely benign based on ACMG/AMP sequence variant interpretation guidelines (Richards et al. 2015 PMID: 25741868, with internal and published modifications).

Labcorp Genetics (formerly Invitae), Labcorp
Classification: Likely benign for Joubert syndrome; Meckel-Gruber syndrome; Nephronophthisis. Last evaluated: 2023-10-14. Review status: criteria provided, single submitter. Criteria: Invitae Variant Classification Sherloc (09022015). Collection method: clinical testing. Allele origin: germline.

NM_025114.4(CEP290):c.4101G>A (p.Lys1367=)

Gene: CEP290 (centrosomal protein 290; minus strand). Cytogenetic location: 12q21.32.
Variant type: single nucleotide variant.
Coding change: c.4101G>A on transcript NM_025114.4 (MANE Select); coding-DNA position 4101, G replaced by A.
Protein change: p.Lys1367=; no amino-acid change (lysine 1367 retained).
Molecular consequence: synonymous variant.
Genome position (GRCh38, 1-based): chr12:88,087,873, C>T on the plus strand (G>A on the coding strand, the complement: CEP290 is on the minus strand). VCF-style: chr12-88087873-C-T. GRCh37 (hg19) VCF-style: chr12-88481650-C-T.
Other names: c.4101G>A (NM_025114.3).
Identifiers: ClinVar variation 2923601 (VCV002923601.4), dbSNP rs2500062102, ClinGen allele CA481076969.